The following is an entry in ClinVar:

ClinVar aggregate classification (germline): Uncertain significance (1 of 4 stars; one submission).

Conditions:
Hyperphosphatasia with impaired intellectual development syndrome 2. Also called: Hyperphosphatasia with intellectual disability syndrome 2; GLYCOSYLPHOSPHATIDYLINOSITOL BIOSYNTHESIS DEFECT 6. Identifiers: Orphanet 247262, MedGen C3553637, MONDO:0013882, OMIM 614749.

Allele frequency attached by ClinVar (database versions not stated): TOPMed 0.00001.
gnomAD v4.1: 25 of 1,614,122 alleles (0.0015%); highest among the groups gnomAD compares: South Asian, 0.0022%; no homozygotes.

Submission:

Labcorp Genetics (formerly Invitae), Labcorp
Classification: Uncertain significance for Hyperphosphatasia with impaired intellectual development syndrome 2. Last evaluated: 2022-06-04. Review status: criteria provided, single submitter. Criteria: Invitae Variant Classification Sherloc (09022015). Collection method: clinical testing. Allele origin: germline.
Comment: This variant is present in population databases (no rsID available, gnomAD 0.003%). In summary, the available evidence is currently insufficient to determine the role of this variant in disease. Therefore, it has been classified as a Variant of Uncertain Significance. Algorithms developed to predict the effect of missense changes on protein structure and function output the following: SIFT: "Tolerated"; PolyPhen-2: "Benign"; Align-GVGD: "Class C0". The glutamic acid amino acid residue is found in multiple mammalian species, which suggests that this missense change does not adversely affect protein function. ClinVar contains an entry for this variant (Variation ID: 569462). This variant has not been reported in the literature in individuals affected with PIGO-related conditions. This sequence change replaces glutamine, which is neutral and polar, with glutamic acid, which is acidic and polar, at codon 1088 of the PIGO protein (p.Gln1088Glu).

NM_032634.4(PIGO):c.3262C>G (p.Gln1088Glu)

Gene: PIGO (phosphatidylinositol glycan anchor biosynthesis class O; minus strand). Cytogenetic location: 9p13.3.
Variant type: single nucleotide variant.
Coding change: c.3262C>G on transcript NM_032634.4 (MANE Select); coding-DNA position 3262, C replaced by G.
Protein change: p.Gln1088Glu; replaces glutamine 1088 with glutamic acid.
Molecular consequence: missense variant.
Genome position (GRCh38, 1-based): chr9:35,089,100, G>C on the plus strand (C>G on the coding strand, the complement: PIGO is on the minus strand). VCF-style: chr9-35089100-G-C. GRCh37 (hg19) VCF-style: chr9-35089097-G-C.
Other names: c.2011C>G, p.Gln671Glu (NM_001201484.2, NM_152850.4); short protein forms Q1088E, Q671E.
Identifiers: ClinVar variation 569462 (VCV000569462.5), dbSNP rs771799139, ClinGen allele CA373316782.